The following is an entry in ClinVar:

NM_130797.4(DPP6):c.225C>T (p.Ser75=)

Gene: DPP6 (dipeptidyl peptidase like 6; plus strand). Cytogenetic location: 7q36.2.
Variant type: single nucleotide variant.
Coding change: c.225C>T on transcript NM_130797.4 (MANE Select); coding-DNA position 225, C replaced by T.
Protein change: p.Ser75=; no amino-acid change (serine 75 retained).
Molecular consequence: synonymous variant. On other transcripts: intron variant (6).
Genome position (GRCh38, 1-based): chr7:154,053,045, C>T. VCF-style: chr7-154053045-C-T. GRCh37 (hg19) VCF-style: chr7-153750130-C-T.
Other names: c.225C>T, p.Ser75= (NM_001290253.2); c.60+304037C>T (NM_001364500.2, NM_001364499.2, NM_001364497.2 and 1 more transcripts); c.51+165311C>T (NM_001364501.2, NM_001039350.3).
Identifiers: ClinVar variation 2658250 (VCV002658250.24), dbSNP rs1312055124, ClinGen allele CA458822650.

ClinVar aggregate classification (germline): Likely benign (1 of 4 stars; one submission).

Allele frequency attached by ClinVar (database versions not stated): gnomAD 0.00005.
gnomAD v4.1: 56 of 1,056,934 alleles (0.0053%); highest among the groups gnomAD compares: Non-Finnish European, 0.0061%; no homozygotes.

Submission:

CeGaT Center for Human Genetics Tuebingen
Classification: Likely benign. Last evaluated: 2023-06-01. Review status: criteria provided, single submitter. Criteria: CeGaT Center For Human Genetics Tuebingen Variant Classification Criteria Version 2. Collection method: clinical testing. Allele origin: germline. Affected: yes. Observed: 1 variant allele.
Comment: DPP6: BP4, BP7